The following is an entry in ClinVar:

ClinVar aggregate classification (germline): Likely benign (1 of 4 stars; one submission).

Conditions:
ZBTB47-related condition.

Submission:

PreventionGenetics, part of Exact Sciences
Classification: Likely benign for ZBTB47-related condition. Last evaluated: 2025-05-09. Review status: criteria provided, single submitter. Criteria: ACMG Guidelines, 2015. Collection method: clinical testing. Allele origin: germline.
Comment: This variant is classified as likely benign based on ACMG/AMP sequence variant interpretation guidelines (Richards et al. 2015 PMID: 25741868, with internal and published modifications).

NM_145166.4(ZBTB47):c.404C>T (p.Ala135Val)

Gene: ZBTB47 (zinc finger and BTB domain containing 47; plus strand). Cytogenetic location: 3p22.1.
Variant type: single nucleotide variant.
Coding change: c.404C>T on transcript NM_145166.4 (MANE Select); coding-DNA position 404, C replaced by T.
Protein change: p.Ala135Val; replaces alanine 135 with valine.
Molecular consequence: missense variant.
Genome position (GRCh38, 1-based): chr3:42,658,759, C>T. VCF-style: chr3-42658759-C-T. GRCh37 (hg19) VCF-style: chr3-42700251-C-T.
Other names: c.488C>T, p.Ala163Val (NM_001410746.1); short protein forms A163V, A135V.
Identifiers: ClinVar variation 4982201 (VCV004982201.1).